The following is an entry in ClinVar:

NM_005120.3(MED12):c.3094C>T (p.His1032Tyr)

Gene: MED12 (mediator complex subunit 12; plus strand). Cytogenetic location: Xq13.1.
Variant type: single nucleotide variant.
Coding change: c.3094C>T on transcript NM_005120.3 (MANE Select); coding-DNA position 3094, C replaced by T.
Protein change: p.His1032Tyr; replaces histidine 1032 with tyrosine.
Molecular consequence: missense variant.
Genome position (GRCh38, 1-based): chrX:71,128,005, C>T. VCF-style: chrX-71128005-C-T. GRCh37 (hg19) VCF-style: chrX-70347855-C-T.
Other names: short protein forms H1032Y.
Identifiers: ClinVar variation 4540295 (VCV004540295.2).

ClinVar aggregate classification (germline): Uncertain significance (1 of 4 stars; one submission).

Submission:

GeneDx
Classification: Uncertain significance. Last evaluated: 2026-06-11. Review status: criteria provided, single submitter. Criteria: GeneDx Variant Classification Process June 2021. Collection method: clinical testing. Allele origin: germline.
Comment: Not observed at significant frequency in large population cohorts (gnomAD); In silico analysis suggests that this missense variant does not alter protein structure/function; Has not been previously published as pathogenic or benign to our knowledge